The following is an entry in ClinVar:

ClinVar aggregate classification (germline): Pathogenic (1 of 4 stars; one submission).

Conditions:
Pitt-Hopkins-like syndrome 2 (PTHSL2). Identifiers: Orphanet 221150, Orphanet 600663, MedGen C3280479, MONDO:0013690, OMIM 614325.

Submission:

Labcorp Genetics (formerly Invitae), Labcorp
Classification: Pathogenic for Pitt-Hopkins-like syndrome 2. Last evaluated: 2024-01-22. Review status: criteria provided, single submitter. Criteria: Invitae Variant Classification Sherloc (09022015). Collection method: clinical testing. Allele origin: germline.
Comment: This variant is a gross deletion of the genomic region encompassing exon(s) 2-6 of the NRXN1 gene, which includes the initiator codon. This deletion extends beyond the assayed region for this gene and therefore may encompass additional genes. It is expected to result in an absent or disrupted protein product. Loss-of-function variants in NRXN1 are known to be pathogenic (PMID: 19896112, 21964664, 23495017, 23533028, 25149956, 30031152). This variant has not been reported in the literature in individuals affected with NRXN1-related conditions. For these reasons, this variant has been classified as Pathogenic.

Literature cited by the submitters: PubMed 19896112; PubMed 21964664; PubMed 23495017; PubMed 23533028; PubMed 25149956; PubMed 30031152.

NC_000002.11:g.(?_51148987)_(51255411_?)del

Gene: NRXN1 (neurexin 1; minus strand). Cytogenetic location: 2p16.3.
Variant type: Deletion.
Identifiers: ClinVar variation 1387846 (VCV001387846.5).